The following is an entry in ClinVar:

NM_000492.4(CFTR):c.3468+5G>A

Genes: CFTR (CF transmembrane conductance regulator; plus strand), CFTR-AS2 (CFTR antisense RNA 2; minus strand). Cytogenetic location: 7q31.2.
Variant type: single nucleotide variant.
Coding change: c.3468+5G>A on transcript NM_000492.4 (MANE Select); 5 bases into the intron after coding-DNA position 3468, G replaced by A.
Molecular consequence: intron variant.
Genome position (GRCh38, 1-based): chr7:117,614,718, G>A. VCF-style: chr7-117614718-G-A. GRCh37 (hg19) VCF-style: chr7-117254772-G-A.
Identifiers: ClinVar variation 487381 (VCV000487381.2), dbSNP rs1554392801, ClinGen allele CA658657706.
Genomic context (GRCh38, chr7:117,614,718, plus strand): 5'-ATATCATGAGTACATTGCAGTGGGCTGTAAACTCCAGCATAGATGTGGATAGCTTGGTAA[G>A]TCTTATCATCTTTTTAACTTTTATGAAAAAAATTCAGACAAGTAACAAAGTATGAGTAAT-3'

ClinVar aggregate classification (germline): Pathogenic. Review status: reviewed by expert panel (3 of 4 stars). 2 submissions from 2 submitters: Pathogenic (1). 1 of the submissions does not count toward it. Last evaluated 2017-03-17.

Conditions:
CFTR-related disorder (CFTR-RD). Also called: CFTR-related disorders; CFTR-related condition. Identifiers: MedGen C5924204, MONDO:7770004.
Cystic fibrosis (CF). Also called: MUCOVISCIDOSIS. Identifiers: Orphanet 586, MedGen C0010674, MONDO:0009061, OMIM 219700. Disease mechanism: loss of function.

Submissions (2):

CFTR2
Classification: Pathogenic for Cystic fibrosis. Last evaluated: 2017-03-17. Review status: reviewed by expert panel. Criteria: Sosnay PR et al. (Nat Genet 2013). Collection method: research. Allele origin: germline. Affected: yes. Study: CFTR2.

Natera, Inc.
Classification: Likely pathogenic for CFTR-related disorders. Last evaluated: 2025-08-05. Review status: criteria provided, single submitter. Criteria: Natera Variant Classification Schema (03/2026). Collection method: clinical testing. Allele origin: germline. Not counted in ClinVar's aggregate classification.
Comment: The c.3468+5G>A variant in CFTR is an intronic variant located outside the canonical splice sites. This variant is rare in the general population with a frequency below the threshold expected for the associated phenotype(s). This variant has been observed in one or more individuals affected with the associated recessive disease, as either homozygous or compound heterozygous with a second variant (PMID: 25763772, 9881185). Functional studies show that this variant may disrupt protein function (PMID: 33085659). Computational prediction algorithms indicate this variant is likely to affect gene or protein function. Given the available evidence, this variant is classified as Likely Pathogenic.

Literature cited by the submitters: PubMed 25763772 (cited by Natera, Inc.); PubMed 9881185 (cited by Natera, Inc.); PubMed 33085659 (cited by Natera, Inc.).